The following is an entry in ClinVar:

ClinVar aggregate classification (germline): Conflicting classifications of pathogenicity. Review status: criteria provided, conflicting classifications (1 of 4 stars). 7 submissions from 7 submitters: Uncertain significance (5); Benign (1); Likely benign (1). Last evaluated 2026-01-19.

Conditions:
Autosomal recessive nonsyndromic hearing loss 97. Also called: Deafness, autosomal recessive 97. Identifiers: Orphanet 90636, MedGen C4084709, MONDO:0014739, OMIM 616705.
Renal cell carcinoma. Identifiers: Orphanet 217071, MedGen C0007134, MeSH D002292, MONDO:0005086, HP:0005584.
Hereditary cancer-predisposing syndrome. Also called: Hereditary Cancer Syndrome; Hereditary neoplastic syndrome; Neoplastic Syndromes, Hereditary; Tumor predisposition. Identifiers: Orphanet 140162, MedGen C0027672, MeSH D009386, MONDO:0015356.

Allele frequency attached by ClinVar (database versions not stated): TOPMed below 0.00001; gnomAD 0.00001; gnomAD exomes 0.00003 and 0.00004; ExAC 0.00007; ESP Exome Variant Server 0.00008.
gnomAD v4.1: 38 of 1,613,822 alleles (0.0024%); highest among the groups gnomAD compares: South Asian, 0.03%; no homozygotes.

Submissions (7):

Labcorp Genetics (formerly Invitae), Labcorp
Classification: Likely benign for Renal cell carcinoma. Last evaluated: 2026-01-19. Review status: criteria provided, single submitter. Criteria: Invitae Variant Classification Sherloc (09022015). Collection method: clinical testing. Allele origin: germline.

Center for Genomic Medicine, Rigshospitalet, Copenhagen University Hospital
Classification: Uncertain significance. Last evaluated: 2025-03-04. Review status: criteria provided, single submitter. Criteria: ACMG Guidelines, 2015. Collection method: clinical testing. Allele origin: germline.

Mayo Clinic Laboratories, Mayo Clinic
Classification: Uncertain significance. Last evaluated: 2025-01-02. Review status: criteria provided, single submitter. Criteria: ACMG Guidelines, 2015. Collection method: clinical testing. Allele origin: germline. Observed: 1 variant allele.
Comment: BP4

GeneDx
Classification: Uncertain significance. Last evaluated: 2024-09-09. Review status: criteria provided, single submitter. Criteria: GeneDx Variant Classification Process June 2021. Collection method: clinical testing. Allele origin: germline. Affected: yes.
Comment: In silico analysis indicates that this missense variant does not alter protein structure/function; Has not been previously published as pathogenic or benign to our knowledge

Ambry Genetics
Classification: Benign for Hereditary cancer-predisposing syndrome. Last evaluated: 2024-02-20. Review status: criteria provided, single submitter. Criteria: Ambry Variant Classification Scheme 2023. Collection method: clinical testing. Allele origin: germline.

Baylor Genetics
Classification: Uncertain significance for Autosomal recessive nonsyndromic hearing loss 97. Last evaluated: 2023-06-06. Review status: criteria provided, single submitter. Criteria: ACMG Guidelines, 2015. Collection method: clinical testing. Allele origin: unknown.

Breakthrough Genomics
Classification: Uncertain significance. Review status: criteria provided, single submitter. Criteria: ACMG Guidelines, 2015. Collection method: not provided. Allele origin: germline. Inheritance: Autosomal recessive inheritance. Affected: yes.

NM_000245.4(MET):c.2677T>A (p.Leu893Ile)

Gene: MET (MET proto-oncogene, receptor tyrosine kinase; plus strand). Cytogenetic location: 7q31.2.
Variant type: single nucleotide variant.
Coding change: c.2677T>A on transcript NM_000245.4 (MANE Select); coding-DNA position 2677, T replaced by A.
Protein change: p.Leu893Ile; replaces leucine 893 with isoleucine.
Molecular consequence: missense variant.
Genome position (GRCh38, 1-based): chr7:116,769,738, T>A. VCF-style: chr7-116769738-T-A. GRCh37 (hg19) VCF-style: chr7-116409792-T-A.
Other names: p.Leu911Ile; c.2731T>A, p.Leu911Ile (NM_001127500.3); c.2677T>A, p.Leu893Ile (NM_001324401.3); c.1387T>A, p.Leu463Ile (NM_001324402.2); short protein forms L911I, L463I, L893I.
Identifiers: ClinVar variation 454218 (VCV000454218.21), dbSNP rs376104371, ClinGen allele CA4448548.